The following is an entry in ClinVar:

NM_001723.7(DST):c.3674A>C (p.Glu1225Ala)

Gene: DST (dystonin; minus strand). Cytogenetic location: 6p12.1.
Variant type: single nucleotide variant.
Coding change: c.3674A>C on transcript NM_001723.7 (MANE Plus Clinical); coding-DNA position 3674, A replaced by C.
Protein change: p.Glu1225Ala; replaces glutamic acid 1225 with alanine.
Molecular consequence: missense variant. On other transcripts: intron variant (10).
Genome position (GRCh38, 1-based): chr6:56,620,360, T>G on the plus strand (A>C on the coding strand, the complement: DST is on the minus strand). VCF-style: chr6-56620360-T-G. GRCh37 (hg19) VCF-style: chr6-56485158-T-G.
Other names: c.4830+4170A>C (NM_001144769.5); c.4929+4170A>C (NM_001374722.1, NM_001374736.1); c.4956+4170A>C (NM_001374734.1); c.4416+4170A>C (NM_001144770.2); c.4296+4170A>C (NM_001374730.1, NM_001386100.1, NM_183380.4 and 1 more transcripts); c.3318+4170A>C (NM_015548.5); short protein forms E1225A.
Identifiers: ClinVar variation 940486 (VCV000940486.8), dbSNP rs2098677912, ClinGen allele CA364571394.
Genomic context (GRCh38, chr6:56,620,360, plus strand): 5'-TTTTCCTCCAACTGATTGCGAAAATTCAGGAGGTTCTCTTCCACGGCAGCTCTTTTAGCC[T>G]CGGCCTCTATGGTGAGCTGCCTCACCCGCTCCAGTTCTCTTTCAGCGGCTTCCTTCTCTC-3'
Protein context (NP_001714.1, residues 1215-1235): ERVRQLTIEA[Glu1225Ala]AKRAAVEENL

ClinVar aggregate classification (germline): Uncertain significance (1 of 4 stars; one submission).

Conditions:
Hereditary sensory and autonomic neuropathy type 6. Also called: HSAN VI; Neuropathy, hereditary sensory and autonomic, type VI. Identifiers: Orphanet 314381, MedGen C3539003, MONDO:0013839, OMIM 614653.
Epidermolysis bullosa simplex 3, localized or generalized intermediate, with BP230 deficiency (EBS3). Also called: Epidermolysis bullosa simplex due to BP230 deficiency; Epidermolysis bullosa simplex, autosomal recessive 2. Identifiers: Orphanet 412181, MedGen C3809470, MONDO:0014180, OMIM 615425.

Submission:

Labcorp Genetics (formerly Invitae), Labcorp
Classification: Uncertain significance for Epidermolysis bullosa simplex 3, localized or generalized intermediate, with BP230 deficiency; Hereditary sensory and autonomic neuropathy type 6. Last evaluated: 2020-01-27. Review status: criteria provided, single submitter. Criteria: Invitae Variant Classification Sherloc (09022015). Collection method: clinical testing. Allele origin: germline.
Comment: In summary, the available evidence is currently insufficient to determine the role of this variant in disease. Therefore, it has been classified as a Variant of Uncertain Significance. Algorithms developed to predict the effect of missense changes on protein structure and function (SIFT, PolyPhen-2, Align-GVGD) all suggest that this variant is likely to be disruptive, but these predictions have not been confirmed by published functional studies and their clinical significance is uncertain. This variant has not been reported in the literature in individuals with DST-related conditions. This variant is not present in population databases (ExAC no frequency). This sequence change replaces glutamic acid with alanine at codon 1225 of the DST protein (p.Glu1225Ala). The glutamic acid residue is weakly conserved and there is a moderate physicochemical difference between glutamic acid and alanine.